The following is an entry in ClinVar:

NM_001378454.1(ALMS1):c.*8T>C

Gene: ALMS1 (ALMS1 centrosome and basal body associated protein; plus strand). Cytogenetic location: 2p13.1.
Variant type: single nucleotide variant.
Coding change: c.*8T>C on transcript NM_001378454.1 (MANE Select); 8 bases downstream of the stop codon, T replaced by C.
Molecular consequence: 3 prime UTR variant.
Genome position (GRCh38, 1-based): chr2:73,609,620, T>C. VCF-style: chr2-73609620-T-C. GRCh37 (hg19) VCF-style: chr2-73836747-T-C.
Other names: c.*8T>C (NM_015120.4).
Identifiers: ClinVar variation 3348502 (VCV003348502.1).

ClinVar aggregate classification (germline): Likely benign (0 of 4 stars; one submission).

Conditions:
ALMS1-related disorder. Also called: ALMS1-related condition.

gnomAD v4.1: 2 of 1,613,758 alleles (0.00012%); highest among the groups gnomAD compares: Non-Finnish European, 0.00017%; no homozygotes.

Submission:

PreventionGenetics, part of Exact Sciences
Classification: Likely benign for ALMS1-related condition. Last evaluated: 2023-09-20. Review status: no assertion criteria provided. Collection method: clinical testing. Allele origin: germline.
Comment: This variant is classified as likely benign based on ACMG/AMP sequence variant interpretation guidelines (Richards et al. 2015 PMID: 25741868, with internal and published modifications).